The following is an entry in ClinVar:

ClinVar aggregate classification (germline): Likely benign (1 of 4 stars; one submission).

Conditions:
Cardiovascular phenotype. Identifiers: MedGen CN230736.
Brittle cornea syndrome 1 (BCS1). Also called: CORNEAL FRAGILITY, KERATOGLOBUS, BLUE SCLERAE, JOINT HYPEREXTENSIBILITY; EDS6B; FRAGILITAS OCULI WITH JOINT HYPEREXTENSIBILITY; Corneal fragility keratoglobus, blue sclerae AND joint hypermobility; DYSGENESIS MESODERMALIS CORNEAE ET SCLERAE. Identifiers: Orphanet 90354, MedGen C0268344, MONDO:0024543, OMIM 229200.

Allele frequency attached by ClinVar (database versions not stated): gnomAD 0.00001; gnomAD exomes 0.00001; TOPMed 0.00002.
gnomAD v4.1: 13 of 1,546,954 alleles (0.00084%); highest among the groups gnomAD compares: Middle Eastern, 0.017%; no homozygotes.

Submission:

Ambry Genetics
Classification: Likely benign for Cardiovascular phenotype. Last evaluated: 2022-09-24. Review status: criteria provided, single submitter. Criteria: Ambry Variant Classification Scheme 2023. Collection method: clinical testing. Allele origin: germline.

NM_001367624.2(ZNF469):c.1268C>T (p.Pro423Leu)

Gene: ZNF469 (zinc finger protein 469; plus strand). Cytogenetic location: 16q24.2.
Variant type: single nucleotide variant.
Coding change: c.1268C>T on transcript NM_001367624.2 (MANE Select); coding-DNA position 1268, C replaced by T.
Protein change: p.Pro423Leu; replaces proline 423 with leucine.
Molecular consequence: missense variant.
Genome position (GRCh38, 1-based): chr16:88,428,738, C>T. VCF-style: chr16-88428738-C-T. GRCh37 (hg19) VCF-style: chr16-88495146-C-T.
Other names: NM_001127464.1:c.1268C>T; NM_001367624.1:c.1268C>T; short protein forms P423L.
Identifiers: ClinVar variation 684473 (VCV000684473.4), dbSNP rs1214168989, ClinGen allele CA397064108.